The following is an entry in ClinVar:

ClinVar aggregate classification (germline): Uncertain significance (1 of 4 stars; one submission).

Conditions:
Koolen-de Vries syndrome (KDVS). Identifiers: Orphanet 96169, MedGen C1864871, MONDO:0012496, OMIM 610443.

Submission:

Labcorp Genetics (formerly Invitae), Labcorp
Classification: Uncertain significance for Koolen-de Vries syndrome. Last evaluated: 2023-06-29. Review status: criteria provided, single submitter. Criteria: Invitae Variant Classification Sherloc (09022015). Collection method: clinical testing. Allele origin: germline.
Comment: In summary, the available evidence is currently insufficient to determine the role of this variant in disease. Therefore, it has been classified as a Variant of Uncertain Significance. An algorithm developed to predict the effect of missense changes on protein structure and function (PolyPhen-2) suggests that this variant is likely to be disruptive. This variant has not been reported in the literature in individuals affected with KANSL1-related conditions. This variant is not present in population databases (gnomAD no frequency). This sequence change replaces alanine, which is neutral and non-polar, with proline, which is neutral and non-polar, at codon 1099 of the KANSL1 protein (p.Ala1099Pro).

NM_015443.4(KANSL1):c.3295G>C (p.Ala1099Pro)

Gene: KANSL1 (KAT8 regulatory NSL complex subunit 1). Cytogenetic location: 17q21.31.
Variant type: single nucleotide variant.
Coding change: c.3295G>C on transcript NM_015443.4 (MANE Select); coding-DNA position 3295, G replaced by C.
Protein change: p.Ala1099Pro; replaces alanine 1099 with proline.
Molecular consequence: missense variant.
Genome position (GRCh38, 1-based): chr17:46,031,499, C>G on the plus strand (G>C on the coding strand, the complement: KANSL1 is on the minus strand). VCF-style: chr17-46031499-C-G. GRCh37 (hg19) VCF-style: chr17-44108865-C-G.
Other names: c.3193G>C, p.Ala1065Pro (NM_001405860.1, NM_001405859.1); c.3190G>C, p.Ala1064Pro (NM_001405861.1); c.3163G>C, p.Ala1055Pro (NM_001405872.1, NM_001405873.1, NM_001405874.1); c.3106G>C, p.Ala1036Pro (NM_001405875.1, NM_001405876.1, NM_001405877.1 and 1 more transcripts); c.3103G>C, p.Ala1035Pro (NM_001405879.1, NM_001405880.1); c.3058G>C, p.Ala1020Pro (NM_001405881.1); c.2029G>C, p.Ala677Pro (NM_001405882.1); c.2026G>C, p.Ala676Pro (NM_001405883.1); and 4 more; short protein forms A1036P, A1098P, A1035P, A1055P, A1064P, A614P, A1020P, A1065P.
Identifiers: ClinVar variation 2820998 (VCV002820998.3), dbSNP rs560719955, ClinGen allele CA399985486.
Genomic context (GRCh38, chr17:46,031,499, plus strand): 5'-AATAGTTAGTGAGTCTGTTTAGATGGCTGTCTCCCGCTCATCTGTGAGTCGGGCGCTGAG[C>G]TGTGGCTGCTGCCACCAGATGCCGACTCTTGAGGGGGACAATGGGAGGCGAGGTGGGCGC-3'
Protein context (NP_056258.1, residues 1089-1105): KSRHLVAAAT[Ala1099Pro]QRPTHR